The following is an entry in ClinVar:

NM_001002916.5(H2BW1):c.379G>A (p.Glu127Lys)

Gene: H2BW1 (H2B.W histone 1; minus strand). Cytogenetic location: Xq22.2.
Variant type: single nucleotide variant.
Coding change: c.379G>A on transcript NM_001002916.5 (MANE Select); coding-DNA position 379, G replaced by A.
Protein change: p.Glu127Lys; replaces glutamic acid 127 with lysine.
Molecular consequence: missense variant.
Genome position (GRCh38, 1-based): chrX:104,013,198, C>T on the plus strand (G>A on the coding strand, the complement: H2BW1 is on the minus strand). VCF-style: chrX-104013198-C-T. GRCh37 (hg19) VCF-style: chrX-103267770-C-T.
Other names: short protein forms E127K.
Identifiers: ClinVar variation 3058776 (VCV003058776.2), dbSNP rs782696235, ClinGen allele CA10479216.

ClinVar aggregate classification (germline): Likely benign (0 of 4 stars; one submission).

Conditions:
H2BW1-related disorder. Also called: H2BW1-related condition.

Allele frequency attached by ClinVar (database versions not stated): TOPMed 0.00003; gnomAD 0.00005; gnomAD exomes 0.00018; ExAC 0.00031.
gnomAD v4.1: 205 of 1,207,590 alleles (0.017%); highest among the groups gnomAD compares: South Asian, 0.32%; no homozygotes.

Submission:

PreventionGenetics, part of Exact Sciences
Classification: Likely benign for H2BW1-related condition. Last evaluated: 2022-11-19. Review status: no assertion criteria provided. Collection method: clinical testing. Allele origin: germline.
Comment: This variant is classified as likely benign based on ACMG/AMP sequence variant interpretation guidelines (Richards et al. 2015 PMID: 25741868, with internal and published modifications).